The following is an entry in ClinVar:

ClinVar aggregate classification (germline): Uncertain significance (1 of 4 stars; one submission).

Submission:

GeneDx
Classification: Uncertain significance. Last evaluated: 2019-06-14. Review status: criteria provided, single submitter. Criteria: GeneDx Variant Classification Process June 2021. Collection method: clinical testing. Allele origin: germline. Affected: yes.
Comment: Not observed in large population cohorts (Lek et al., 2016); In silico analysis, which includes protein predictors and evolutionary conservation, supports a deleterious effect; Has not been previously published as pathogenic or benign to our knowledge; Variants in candidate genes are classified as variants of uncertain significance in accordance with ACMG guidelines (Richards et al., 2015)

NM_000937.5(POLR2A):c.2383G>A (p.Gly795Ser)

Genes: POLR2A (RNA polymerase II subunit A; plus strand), LOC126862481 (BRD4-independent group 4 enhancer GRCh37_chr17:7405086-7406285; plus strand). Cytogenetic location: 17p13.1.
Variant type: single nucleotide variant.
Coding change: c.2383G>A on transcript NM_000937.5 (MANE Select); coding-DNA position 2383, G replaced by A.
Protein change: p.Gly795Ser; replaces glycine 795 with serine.
Molecular consequence: missense variant.
Genome position (GRCh38, 1-based): chr17:7,501,933, G>A. VCF-style: chr17-7501933-G-A. GRCh37 (hg19) VCF-style: chr17-7405252-G-A.
Other names: short protein forms G795S.
Identifiers: ClinVar variation 1302150 (VCV001302150.2), dbSNP rs2150883069, ClinGen allele CA397887852.